The following is an entry in ClinVar:

ClinVar aggregate classification (germline): Conflicting classifications of pathogenicity. Review status: criteria provided, conflicting classifications (1 of 4 stars). 2 submissions from 2 submitters: Pathogenic (1); Uncertain significance (1). Last evaluated 2023-12-10.

Submissions (2):

GeneDx
Classification: Uncertain significance. Last evaluated: 2023-12-10. Review status: criteria provided, single submitter. Criteria: GeneDx Variant Classification Process June 2021. Collection method: clinical testing. Allele origin: germline. Affected: yes.
Comment: Frameshift variant predicted to result in abnormal protein length as the last 55 amino acids are replaced with 27 different amino acids; Has not been previously published as pathogenic or benign to our knowledge; This variant is associated with the following publications: (PMID: 17086182, 20591883)

Labcorp Genetics (formerly Invitae), Labcorp
Classification: Pathogenic. Last evaluated: 2022-07-04. Review status: criteria provided, single submitter. Criteria: Invitae Variant Classification Sherloc (09022015). Collection method: clinical testing. Allele origin: germline.
Comment: This sequence change creates a premature translational stop signal (p.Lys2248Alafs*28) in the PLCE1 gene. It is expected to result in an absent or disrupted protein product. Loss-of-function variants in PLCE1 are known to be pathogenic (PMID: 17086182, 20591883). This variant is present in population databases (rs747833630, gnomAD 0.05%). This variant has not been reported in the literature in individuals affected with PLCE1-related conditions. For these reasons, this variant has been classified as Pathogenic.

Literature cited by the submitters: PubMed 17086182 (cited by Labcorp Genetics (formerly Invitae), Labcorp); PubMed 20591883 (cited by Labcorp Genetics (formerly Invitae), Labcorp).

NM_016341.4(PLCE1):c.6742_6745del (p.Lys2248fs)

Genes: NOC3L (NOC3 like DNA replication regulator; minus strand), PLCE1 (phospholipase C epsilon 1; plus strand). Cytogenetic location: 10q23.33.
Variant type: Microsatellite.
Coding change: c.6742_6745del on transcript NM_016341.4 (MANE Select); coding-DNA positions 6742 to 6745, 4 bases deleted (AAAG; older notation c.6742_6745delAAAG).
Protein change: p.Lys2248fs; shifts the reading frame from lysine 2248.
Molecular consequence: frameshift variant.
Genome position (GRCh38, 1-based): chr10:94,324,913-94,324,916, AAAG deleted; deleting any 4 consecutive bases within chr10:94,324,909-94,324,916 gives the same sequence; the c. name uses the placement nearest the transcript's 3' end. VCF-style (leftmost placement, unchanged base first): chr10-94324908-AAAAG-A. GRCh37 (hg19) VCF-style: chr10-96084665-AAAAG-A.
Other names: c.5818_5821del, p.Lys1940fs (NM_001165979.2); c.6694_6697del, p.Lys2232fs (NM_001288989.2); c.6742_6745del (NM_016341.3); short protein forms K1940fs, K2232fs, K2248fs.
Identifiers: ClinVar variation 1071041 (VCV001071041.5), dbSNP rs747833630, ClinGen allele CA5613657.